The following is an entry in ClinVar:

ClinVar aggregate classification (germline): Likely benign. Review status: criteria provided, multiple submitters, no conflicts (2 of 4 stars). 4 submissions from 4 submitters: Likely benign (3). 1 of the submissions does not count toward it. Last evaluated 2026-06-08.

Conditions:
Inborn genetic diseases. Identifiers: MedGen C0950123, MeSH D030342.
Cohen syndrome (COH1). Also called: PEPPER SYNDROME; Cutis verticis gyrata, retinitis pigmentosa, and sensorineural deafness. Identifiers: Orphanet 193, MedGen C0265223, MONDO:0008999, OMIM 216550.
VPS13B-related disorder. Also called: VPS13B-related condition.

Allele frequency attached by ClinVar (database versions not stated): gnomAD 0.00002 and 0.00003; gnomAD exomes 0.00002 and 0.00008; TOPMed 0.00002; ExAC 0.00004.
gnomAD v4.1: 33 of 1,613,076 alleles (0.002%); highest among the groups gnomAD compares: East Asian, 0.06%; no homozygotes.

Submissions (4):

PreventionGenetics, part of Exact Sciences
Classification: Likely benign for VPS13B-related condition. Last evaluated: 2026-06-08. Review status: criteria provided, single submitter. Criteria: ACMG Guidelines, 2015. Collection method: clinical testing. Allele origin: germline.
Comment: This variant is classified as likely benign based on ACMG/AMP sequence variant interpretation guidelines (Richards et al. 2015 PMID: 25741868, with internal and published modifications).

Labcorp Genetics (formerly Invitae), Labcorp
Classification: Likely benign for Cohen syndrome. Last evaluated: 2025-05-07. Review status: criteria provided, single submitter. Criteria: Invitae Variant Classification Sherloc (09022015). Collection method: clinical testing. Allele origin: germline.

Ambry Genetics
Classification: Likely benign for Inborn genetic diseases. Last evaluated: 2017-08-08. Review status: criteria provided, single submitter. Criteria: Ambry Variant Classification Scheme 2023. Collection method: clinical testing. Allele origin: germline.

Natera, Inc.
Classification: Uncertain significance for Cohen syndrome. Last evaluated: 2020-03-17. Review status: no assertion criteria provided. Collection method: clinical testing. Allele origin: germline. Not counted in ClinVar's aggregate classification.

NM_152564.5(VPS13B):c.4908G>A (p.Arg1636=)

Gene: VPS13B (vacuolar protein sorting 13 homolog B; plus strand). Cytogenetic location: 8q22.2.
Variant type: single nucleotide variant.
Coding change: c.4908G>A on transcript NM_152564.5 (MANE Select); coding-DNA position 4908, G replaced by A.
Protein change: p.Arg1636=; no amino-acid change (arginine 1636 retained).
Molecular consequence: synonymous variant.
Genome position (GRCh38, 1-based): chr8:99,556,612, G>A. VCF-style: chr8-99556612-G-A. GRCh37 (hg19) VCF-style: chr8-100568840-G-A.
Other names: c.4983G>A, p.Arg1661= (NM_017890.5); c.4908G>A (NM_152564.4).
Identifiers: ClinVar variation 717774 (VCV000717774.14), dbSNP rs765924507, ClinGen allele CA4823679.